The following is an entry in ClinVar:

ClinVar aggregate classification (germline): Uncertain significance (1 of 4 stars; one submission).

gnomAD v4.1: 6 of 1,613,472 alleles (0.00037%); highest among the groups gnomAD compares: East Asian, 0.013%; no homozygotes.

Submission:

Ambry Genetics
Classification: Uncertain significance. Last evaluated: 2024-10-17. Review status: criteria provided, single submitter. Criteria: Ambry Variant Classification Scheme 2023. Collection method: clinical testing. Allele origin: germline.
Comment: The p.G740V variant (also known as c.2219G>T), located in coding exon 13 of the GEN1 gene, results from a G to T substitution at nucleotide position 2219. The glycine at codon 740 is replaced by valine, an amino acid with dissimilar properties. This amino acid position is conserved. In addition, this alteration is predicted to be tolerated by in silico analysis. Based on the available evidence, the clinical significance of this variant remains unclear.

NM_001130009.3(GEN1):c.2219G>T (p.Gly740Val)

Gene: GEN1 (GEN1 Holliday junction 5' flap endonuclease; plus strand). Cytogenetic location: 2p24.2.
Variant type: single nucleotide variant.
Coding change: c.2219G>T on transcript NM_001130009.3 (MANE Select); coding-DNA position 2219, G replaced by T.
Protein change: p.Gly740Val; replaces glycine 740 with valine.
Molecular consequence: missense variant.
Genome position (GRCh38, 1-based): chr2:17,781,431, G>T. VCF-style: chr2-17781431-G-T. GRCh37 (hg19) VCF-style: chr2-17962698-G-T.
Other names: c.2219G>T, p.Gly740Val (NM_182625.5); short protein forms G740V.
Identifiers: ClinVar variation 3519707 (VCV003519707.1).